The following is an entry in ClinVar:

ClinVar aggregate classification (germline): Uncertain significance. Review status: criteria provided, multiple submitters, no conflicts (2 of 4 stars). 2 submissions from 2 submitters: Uncertain significance (2). Last evaluated 2021-03-30.

Conditions:
Aortic valve disease 2 (AOVD2). Identifiers: MedGen C3542024, MONDO:0013902, OMIM 614823.
Holt-Oram syndrome (HOS). Also called: Ventriculo-radial syndrome; Cardiac-limb syndrome; Heart-hand syndrome, type 1; TBX5-Related Holt-Oram Syndrome. Identifiers: Orphanet 392, MedGen C0265264, MONDO:0007732, OMIM 142900.

Submissions (2):

Center for Genomics, Ann and Robert H. Lurie Children's Hospital of Chicago
Classification: Uncertain significance for Holt-Oram syndrome. Last evaluated: 2021-03-30. Review status: criteria provided, single submitter. Criteria: ACMG Guidelines, 2015. Collection method: clinical testing. Allele origin: germline.
Comment: TBX5 NM_000192.3 p.Val186Gly (c.557T>G): This variant has not been reported in the literature and is not present in large control databases. Evolutionary conservation and computational predictive tools suggest that this variant may impact the protein. In summary, data on this variant is insufficient for disease classification. Therefore, the clinical significance of this variant is uncertain.

Labcorp Genetics (formerly Invitae), Labcorp
Classification: Uncertain significance for Aortic valve disease 2. Last evaluated: 2017-11-04. Review status: criteria provided, single submitter. Criteria: Invitae Variant Classification Sherloc (09022015). Collection method: clinical testing. Allele origin: germline.
Comment: This sequence change replaces valine with glycine at codon 186 of the TBX5 protein (p.Val186Gly). The valine residue is highly conserved and there is a moderate physicochemical difference between valine and glycine. This variant is not present in population databases (ExAC no frequency). This variant has not been reported in the literature in individuals with TBX5-related disease. Algorithms developed to predict the effect of missense changes on protein structure and function do not agree on the potential impact of this missense change (SIFT: "Deleterious"; PolyPhen-2: "Probably Damaging"; Align-GVGD: "Class C0"). In summary, the available evidence is currently insufficient to determine the role of this variant in disease. Therefore, it has been classified as a Variant of Uncertain Significance.

NM_181486.4(TBX5):c.557T>G (p.Val186Gly)

Gene: TBX5 (T-box transcription factor 5; minus strand). Cytogenetic location: 12q24.21.
Variant type: single nucleotide variant.
Coding change: c.557T>G on transcript NM_181486.4 (MANE Select); coding-DNA position 557, T replaced by G.
Protein change: p.Val186Gly; replaces valine 186 with glycine.
Molecular consequence: missense variant.
Genome position (GRCh38, 1-based): chr12:114,394,847, A>C on the plus strand (T>G on the coding strand, the complement: TBX5 is on the minus strand). VCF-style: chr12-114394847-A-C. GRCh37 (hg19) VCF-style: chr12-114832652-A-C.
Other names: c.557T>G, p.Val186Gly (NM_000192.3); c.407T>G, p.Val136Gly (NM_080717.4); short protein forms V186G, V136G.
Identifiers: ClinVar variation 543960 (VCV000543960.9), dbSNP rs1555226019, ClinGen allele CA386861517.